The following is an entry in ClinVar:

NM_138694.4(PKHD1):c.10866C>A (p.Cys3622Ter)

Gene: PKHD1 (PKHD1 ciliary IPT domain containing fibrocystin/polyductin; minus strand). Cytogenetic location: 6p12.3.
Variant type: single nucleotide variant.
Coding change: c.10866C>A on transcript NM_138694.4 (MANE Select); coding-DNA position 10866, C replaced by A.
Protein change: p.Cys3622Ter; replaces cysteine 3622 with a stop codon.
Molecular consequence: nonsense.
Genome position (GRCh38, 1-based): chr6:51,659,260, G>T on the plus strand (C>A on the coding strand, the complement: PKHD1 is on the minus strand). VCF-style: chr6-51659260-G-T. GRCh37 (hg19) VCF-style: chr6-51524058-G-T.
Other names: short protein forms C3622*.
Identifiers: ClinVar variation 4879742 (VCV004879742.1).
Genomic context (GRCh38, chr6:51,659,260, plus strand): 5'-CATCATGAGAGGCCTACGTTGACCAACTCTTCTATAATGACTAGTGCAAGTCACAGTAGG[G>T]CAATTGCGCTTTCTTTTTGCTCTACTGTCAGCAATGGCCTTTAAGGTCTCTTCATGGCCA-3'

ClinVar aggregate classification (germline): Pathogenic (1 of 4 stars; one submission).

Conditions:
Polycystic kidney disease 4 (PKD4). Also called: PKD3; POLYCYSTIC KIDNEY DISEASE 4 WITH OR WITHOUT POLYCYSTIC LIVER DISEASE; Autosomal Recessive Polycystic Kidney Disease – PKHD1; POLYCYSTIC KIDNEY AND HEPATIC DISEASE 1; POLYCYSTIC KIDNEY DISEASE, INFANTILE, TYPE I. Identifiers: MedGen C4540575, MONDO:0033004, OMIM 263200.

gnomAD v4.1: 1 of 1,613,798 alleles (0.000062%); highest among the groups gnomAD compares: South Asian, 0.0011%; no homozygotes.

Submission:

Victorian Clinical Genetics Services, Murdoch Childrens Research Institute
Classification: Pathogenic for Polycystic kidney disease 4. Last evaluated: 2026-06-30. Review status: criteria provided, single submitter. Criteria: ACMG Guidelines, 2015. Collection method: clinical testing. Allele origin: germline. Affected: yes.
Comment: This variant is classified as Pathogenic. Evidence in support of pathogenic classification: Variant is predicted to cause nonsense-mediated decay (NMD) and loss of protein (premature termination codon is located at least 54 nucleotides upstream of the final exon-exon junction); Variant is present in gnomAD <0.01 (v4: 1 heterozygote(s), 0 homozygote(s)); Other NMD-predicted variant(s) comparable to the one identified in this case have very strong previous evidence for pathogenicity (DECIPHER). Additional information: This variant is heterozygous; This gene is associated with autosomal recessive disease; however, there are emerging reports of heterozygous carriers of PKHD1 variants developing liver cysts and nephrocalcinosis (PMIDs: 21945273, 36691356); This variant has no previous evidence of pathogenicity; No published evidence of segregation with disease has been identified for this variant; No published functional evidence has been identified for this variant; Loss of function is a known mechanism of disease in this gene and is associated with polycystic kidney disease 4, with or without hepatic disease (MIM#263200); Variants in this gene are known to have variable expressivity. Significant intrafamilial variability has been reported (PMID: 20301501). - Inheritance information for this variant is not currently available in this individual.

Literature cited by the submitters: PubMed 21945273; PubMed 36691356; PubMed 20301501.